The following is an entry in ClinVar:

NM_000702.4(ATP1A2):c.376G>A (p.Asp126Asn)

Gene: ATP1A2 (ATPase Na+/K+ transporting subunit alpha 2; plus strand). Cytogenetic location: 1q23.2.
Variant type: single nucleotide variant.
Coding change: c.376G>A on transcript NM_000702.4 (MANE Select); coding-DNA position 376, G replaced by A.
Protein change: p.Asp126Asn; replaces aspartic acid 126 with asparagine.
Molecular consequence: missense variant.
Genome position (GRCh38, 1-based): chr1:160,123,411, G>A. VCF-style: chr1-160123411-G-A. GRCh37 (hg19) VCF-style: chr1-160093201-G-A.
Other names: short protein forms D126N.
Identifiers: ClinVar variation 1734750 (VCV001734750.2), dbSNP rs1335368737, ClinGen allele CA343231981.

ClinVar aggregate classification (germline): Uncertain significance (1 of 4 stars; one submission).

Conditions:
Inborn genetic diseases. Identifiers: MedGen C0950123, MeSH D030342.

Submission:

Ambry Genetics
Classification: Uncertain significance for Inborn genetic diseases. Last evaluated: 2019-04-04. Review status: criteria provided, single submitter. Criteria: Ambry Variant Classification Scheme 2023. Collection method: clinical testing. Allele origin: germline.
Comment: The p.D126N variant (also known as c.376G>A), located in coding exon 4 of the ATP1A2 gene, results from a G to A substitution at nucleotide position 376. The aspartic acid at codon 126 is replaced by asparagine, an amino acid with highly similar properties. This amino acid position is highly conserved in available vertebrate species. In addition, the in silico prediction for this alteration is inconclusive. Since supporting evidence is limited at this time, the clinical significance of this alteration remains unclear.